The following is an entry in ClinVar:

NM_000245.4(MET):c.1832C>A (p.Thr611Asn)

Gene: MET (MET proto-oncogene, receptor tyrosine kinase; plus strand). Cytogenetic location: 7q31.2.
Variant type: single nucleotide variant.
Coding change: c.1832C>A on transcript NM_000245.4 (MANE Select); coding-DNA position 1832, C replaced by A.
Protein change: p.Thr611Asn; replaces threonine 611 with asparagine.
Molecular consequence: missense variant.
Genome position (GRCh38, 1-based): chr7:116,755,485, C>A. VCF-style: chr7-116755485-C-A. GRCh37 (hg19) VCF-style: chr7-116395539-C-A.
Other names: c.1832C>A, p.Thr611Asn (NM_001127500.3, NM_001324401.3); c.542C>A, p.Thr181Asn (NM_001324402.2); short protein forms T611N, T181N.
Identifiers: ClinVar variation 2851599 (VCV002851599.3), dbSNP rs2116910666, ClinGen allele CA368978193.

ClinVar aggregate classification (germline): Uncertain significance (1 of 4 stars; one submission).

Conditions:
Renal cell carcinoma. Identifiers: Orphanet 217071, MedGen C0007134, MeSH D002292, MONDO:0005086, HP:0005584.

Submission:

Labcorp Genetics (formerly Invitae), Labcorp
Classification: Uncertain significance for Renal cell carcinoma. Last evaluated: 2023-04-03. Review status: criteria provided, single submitter. Criteria: Invitae Variant Classification Sherloc (09022015). Collection method: clinical testing. Allele origin: germline.
Comment: This sequence change replaces threonine, which is neutral and polar, with asparagine, which is neutral and polar, at codon 611 of the MET protein (p.Thr611Asn). This variant is not present in population databases (gnomAD no frequency). In summary, the available evidence is currently insufficient to determine the role of this variant in disease. Therefore, it has been classified as a Variant of Uncertain Significance. Advanced modeling of protein sequence and biophysical properties (such as structural, functional, and spatial information, amino acid conservation, physicochemical variation, residue mobility, and thermodynamic stability) performed at Invitae indicates that this missense variant is not expected to disrupt MET protein function. This variant has not been reported in the literature in individuals affected with MET-related conditions.